The following is an entry in ClinVar:

ClinVar aggregate classification (germline): Uncertain significance. Review status: criteria provided, multiple submitters, no conflicts (2 of 4 stars). 2 submissions from 2 submitters: Uncertain significance (2). Last evaluated 2025-07-01.

Conditions:
Early-infantile DEE. Also called: Ohtahara syndrome; Early infantile epileptic encephalopathy; Early infantile epileptic encephalopathy with suppression bursts. Identifiers: Orphanet 1934, MedGen C0393706, MONDO:0800491.

gnomAD v4.1: 30 of 1,614,170 alleles (0.0019%); highest among the groups gnomAD compares: Non-Finnish European, 0.0025%; no homozygotes.

Submissions (2):

CeGaT Center for Human Genetics Tuebingen
Classification: Uncertain significance. Last evaluated: 2025-07-01. Review status: criteria provided, single submitter. Criteria: CeGaT Center For Human Genetics Tuebingen Variant Classification Criteria Version 2. Collection method: clinical testing. Allele origin: germline. Affected: yes. Observed: 1 variant allele.

Labcorp Genetics (formerly Invitae), Labcorp
Classification: Uncertain significance for Early-infantile DEE. Last evaluated: 2024-06-26. Review status: criteria provided, single submitter. Criteria: Invitae Variant Classification Sherloc (09022015). Collection method: clinical testing. Allele origin: germline.
Comment: This sequence change replaces valine, which is neutral and non-polar, with leucine, which is neutral and non-polar, at codon 73 of the SCN1A protein (p.Val73Leu). This variant is not present in population databases (gnomAD no frequency). This variant has not been reported in the literature in individuals affected with SCN1A-related conditions. Advanced modeling of protein sequence and biophysical properties (such as structural, functional, and spatial information, amino acid conservation, physicochemical variation, residue mobility, and thermodynamic stability) has been performed at Invitae for this missense variant, however the output from this modeling did not meet the statistical confidence thresholds required to predict the impact of this variant on SCN1A protein function. In summary, the available evidence is currently insufficient to determine the role of this variant in disease. Therefore, it has been classified as a Variant of Uncertain Significance.

NM_001165963.4(SCN1A):c.217G>C (p.Val73Leu)

Gene: SCN1A (sodium voltage-gated channel alpha subunit 1; minus strand). Cytogenetic location: 2q24.3.
Variant type: single nucleotide variant.
Coding change: c.217G>C on transcript NM_001165963.4 (MANE Select); coding-DNA position 217, G replaced by C.
Protein change: p.Val73Leu; replaces valine 73 with leucine.
Molecular consequence: missense variant. On other transcripts: 5 prime UTR variant (1), non-coding transcript variant (1).
Genome position (GRCh38, 1-based): chr2:166,073,405, C>G on the plus strand (G>C on the coding strand, the complement: SCN1A is on the minus strand). VCF-style: chr2-166073405-C-G. GRCh37 (hg19) VCF-style: chr2-166929915-C-G.
Other names: c.217G>C, p.Val73Leu (NM_001353958.2, NM_001353960.2, NM_006920.6 and 10 more transcripts); c.-2209G>C (NM_001353961.2); short protein forms V73L.
Identifiers: ClinVar variation 3625004 (VCV003625004.10).